The following is an entry in ClinVar:

ClinVar aggregate classification (germline): Benign/Likely benign. Review status: criteria provided, multiple submitters, no conflicts (2 of 4 stars). 4 submissions from 4 submitters: Benign (3); Likely benign (1). Last evaluated 2026-01-28.

Conditions:
Junctional epidermolysis bullosa. Identifiers: Orphanet 305, MedGen C0079301, MONDO:0017612.

Allele frequency attached by ClinVar (database versions not stated): gnomAD exomes 0.00177; ExAC 0.00199; ESP Exome Variant Server 0.00638; gnomAD 0.00647 and 0.00697; 1000 Genomes Project 0.00719; TOPMed 0.00762; 1000 Genomes Project 30x 0.00828.

Submissions (4):

Labcorp Genetics (formerly Invitae), Labcorp
Classification: Benign. Last evaluated: 2026-01-28. Review status: criteria provided, single submitter. Criteria: Invitae Variant Classification Sherloc (09022015). Collection method: clinical testing. Allele origin: germline.

Blueprint Genetics
Classification: Likely benign. Last evaluated: 2024-11-22. Review status: criteria provided, single submitter. Criteria: ACMG Guidelines, 2015. Collection method: clinical testing. Allele origin: germline.

Illumina Laboratory Services, Illumina
Classification: Benign for Junctional epidermolysis bullosa. Last evaluated: 2018-01-12. Review status: criteria provided, single submitter. Criteria: ICSL Variant Classification Criteria 13 December 2019. Collection method: clinical testing. Allele origin: germline.
Comment: This variant was observed in the ICSL laboratory as part of a predisposition screen in an ostensibly healthy population. It had not been previously curated by ICSL or reported in the Human Gene Mutation Database (HGMD: prior to June 1st, 2018), and was therefore a candidate for classification through an automated scoring system. Utilizing variant allele frequency, disease prevalence and penetrance estimates, and inheritance mode, an automated score was calculated to assess if this variant is too frequent to cause the disease. Based on the score and internal cut-off values, a variant classified as benign is not then subjected to further curation. The score for this variant resulted in a classification of benign for this disease.

Breakthrough Genomics
Classification: Benign. Review status: criteria provided, single submitter. Criteria: ACMG Guidelines, 2015. Collection method: not provided. Allele origin: germline. Inheritance: Autosomal recessive inheritance. Affected: yes.

NM_000228.3(LAMB3):c.689G>C (p.Arg230Thr)

Gene: LAMB3 (laminin subunit beta 3; minus strand). Cytogenetic location: 1q32.2.
Variant type: single nucleotide variant.
Coding change: c.689G>C on transcript NM_000228.3 (MANE Select); coding-DNA position 689, G replaced by C.
Protein change: p.Arg230Thr; replaces arginine 230 with threonine.
Molecular consequence: missense variant.
Genome position (GRCh38, 1-based): chr1:209,632,716, C>G on the plus strand (G>C on the coding strand, the complement: LAMB3 is on the minus strand). VCF-style: chr1-209632716-C-G. GRCh37 (hg19) VCF-style: chr1-209806061-C-G.
Other names: c.689G>C, p.Arg230Thr (NM_001017402.2, NM_001127641.1); short protein forms R230T.
Identifiers: ClinVar variation 295131 (VCV000295131.17), dbSNP rs61734502, ClinGen allele CA1375872.